The following is an entry in ClinVar:

NM_004655.4(AXIN2):c.1037A>G (p.Gln346Arg)

Gene: AXIN2 (axin 2; minus strand). Cytogenetic location: 17q24.1.
Variant type: single nucleotide variant.
Coding change: c.1037A>G on transcript NM_004655.4 (MANE Select); coding-DNA position 1037, A replaced by G.
Protein change: p.Gln346Arg; replaces glutamine 346 with arginine.
Molecular consequence: missense variant.
Genome position (GRCh38, 1-based): chr17:65,541,477, T>C on the plus strand (A>G on the coding strand, the complement: AXIN2 is on the minus strand). VCF-style: chr17-65541477-T-C. GRCh37 (hg19) VCF-style: chr17-63537595-T-C.
Other names: c.1037A>G, p.Gln346Arg (NM_001363813.1); short protein forms Q346R.
Identifiers: ClinVar variation 1772842 (VCV001772842.3), dbSNP rs2544196273, ClinGen allele CA400679149.

ClinVar aggregate classification (germline): Uncertain significance (1 of 4 stars; one submission).

Conditions:
Hereditary cancer-predisposing syndrome. Also called: Hereditary Cancer Syndrome; Hereditary neoplastic syndrome; Neoplastic Syndromes, Hereditary; Tumor predisposition. Identifiers: Orphanet 140162, MedGen C0027672, MeSH D009386, MONDO:0015356.

Submission:

Ambry Genetics
Classification: Uncertain significance for Hereditary cancer-predisposing syndrome. Last evaluated: 2024-10-08. Review status: criteria provided, single submitter. Criteria: Ambry Variant Classification Scheme 2023. Collection method: clinical testing. Allele origin: germline.
Comment: The p.Q346R variant (also known as c.1037A>G), located in coding exon 3 of the AXIN2 gene, results from an A to G substitution at nucleotide position 1037. The glutamine at codon 346 is replaced by arginine, an amino acid with highly similar properties. This amino acid position is conserved. In addition, this alteration is predicted to be deleterious by in silico analysis. Since supporting evidence is limited at this time, the clinical significance of this alteration remains unclear.